The following is an entry in ClinVar:

ClinVar aggregate classification (germline): Pathogenic (1 of 4 stars; one submission).

Conditions:
Familial cancer of breast. Also called: BREAST CANCER, FAMILIAL; Hereditary breast cancer; hereditary breast carcinoma. Identifiers: Orphanet 227535, MedGen C0346153, MONDO:0016419, OMIM 114480. Disease mechanism: loss of function.

Submission:

Myriad Genetics, Inc.
Classification: Pathogenic for Familial cancer of breast. Last evaluated: 2024-01-17. Review status: criteria provided, single submitter. Criteria: Myriad Autosomal Dominant, Autosomal Recessive and X-Linked Classification Criteria (2023). Collection method: clinical testing. Allele origin: unknown.
Comment: This variant is considered pathogenic. This variant creates a frameshift predicted to result in premature protein truncation.

NM_000051.4(ATM):c.2218del (p.Ala740fs)

Gene: ATM (ATM serine/threonine kinase; plus strand). Cytogenetic location: 11q22.3.
Variant type: Deletion.
Coding change: c.2218del on transcript NM_000051.4 (MANE Select); coding-DNA position 2218, one base deleted (G; older notation c.2218delG).
Protein change: p.Ala740fs; shifts the reading frame from alanine 740.
Molecular consequence: frameshift variant.
Genome position (GRCh38, 1-based): chr11:108,256,308, G deleted. VCF-style (leftmost placement, unchanged base first): chr11-108256307-AG-A. GRCh37 (hg19) VCF-style: chr11-108127034-AG-A.
Other names: c.2218del, p.Ala740fs (NM_001351834.2); short protein forms A740fs.
Identifiers: ClinVar variation 3148319 (VCV003148319.1), dbSNP rs2497360132, ClinGen allele CA2825001795.